The following is an entry in ClinVar:

NM_001164508.2(NEB):c.5349_5350del (p.Tyr1784fs)

Gene: NEB (nebulin; minus strand). Cytogenetic location: 2q23.3.
Variant type: Deletion.
Coding change: c.5349_5350del on transcript NM_001164508.2 (MANE Select); coding-DNA positions 5349 to 5350, 2 bases deleted (GT; older notation c.5349_5350delGT).
Protein change: p.Tyr1784fs; shifts the reading frame from tyrosine 1784.
Molecular consequence: frameshift variant.
Genome position (GRCh38, 1-based): chr2:151,664,602-151,664,603, AC deleted on the plus strand (GT on the coding strand, the reverse complement: NEB is on the minus strand); deleting any 2 consecutive bases within chr2:151,664,602-151,664,604 gives the same sequence; the c. name uses the placement nearest the transcript's 3' end. VCF-style (leftmost placement, unchanged base first): chr2-151664601-TAC-T. GRCh37 (hg19) VCF-style: chr2-152521115-TAC-T.
Other names: c.5349_5350del, p.Tyr1784fs (NM_001164507.2, NM_001271208.2, NM_004543.5); c.5349_5350delGT (NM_001271208.2); short protein forms Y1784fs.
Identifiers: ClinVar variation 3584456 (VCV003584456.2).

ClinVar aggregate classification (germline): Pathogenic/Likely pathogenic. Review status: criteria provided, multiple submitters, no conflicts (2 of 4 stars). 2 submissions from 2 submitters: Pathogenic (1); Likely pathogenic (1). Last evaluated 2025-02-04.

Conditions:
Arthrogryposis multiplex congenita 6. Identifiers: MedGen C5543431, MONDO:0030281, OMIM 619334.
Nemaline myopathy 2 (NEM2). Also called: Nemaline myopathy 2, autosomal recessive. Identifiers: MedGen C1850569, MONDO:0009725, OMIM 256030.
Nemaline myopathy. Also called: Myopathies, Nemaline. Identifiers: Orphanet 607, MedGen C0206157, MONDO:0018958.

Submissions (2):

Women's Health and Genetics/Laboratory Corporation of America, LabCorp
Classification: Pathogenic for Nemaline myopathy. Last evaluated: 2025-02-04. Review status: criteria provided, single submitter. Criteria: LabCorp Variant Classification Summary - May 2015. Collection method: clinical testing. Allele origin: germline.
Comment: Variant summary: NEB c.5349_5350delGT (p.Tyr1784GlnfsX13) results in a premature termination codon, predicted to cause a truncation of the encoded protein or absence of the protein due to nonsense mediated decay, which are commonly known mechanisms for disease. The variant was absent in 230274 control chromosomes. To our knowledge, no occurrence of c.5349_5350delGT in individuals affected with Nemaline Myopathy 2 and no experimental evidence demonstrating its impact on protein function have been reported. ClinVar contains an entry for this variant (Variation ID: 3584456). Based on the evidence outlined above, the variant was classified as pathogenic.

Fulgent Genetics
Classification: Likely pathogenic for Nemaline myopathy 2; Arthrogryposis multiplex congenita 6. Last evaluated: 2024-05-18. Review status: criteria provided, single submitter. Criteria: ACMG Guidelines, 2015. Collection method: clinical testing. Allele origin: germline.